The following is an entry in ClinVar:

NM_002878.4(RAD51D):c.765G>A (p.Arg255=)

Genes: RAD51D (RAD51 paralog D; minus strand), RAD51L3-RFFL (RAD51L3-RFFL readthrough; minus strand). Cytogenetic location: 17q12.
Variant type: single nucleotide variant.
Coding change: c.765G>A on transcript NM_002878.4 (MANE Select); coding-DNA position 765, G replaced by A.
Protein change: p.Arg255=; no amino-acid change (arginine 255 retained).
Molecular consequence: synonymous variant. On other transcripts: non-coding transcript variant (3).
Genome position (GRCh38, 1-based): chr17:35,101,339, C>T on the plus strand (G>A on the coding strand, the complement: RAD51D is on the minus strand). VCF-style: chr17-35101339-C-T. GRCh37 (hg19) VCF-style: chr17-33428358-C-T.
Other names: c.825G>A, p.Arg275= (NM_001142571.2); c.429G>A, p.Arg143= (NM_133629.3).
Identifiers: ClinVar variation 239403 (VCV000239403.25), dbSNP rs751833940, ClinGen allele CA8499349.
Genomic context (GRCh38, chr17:35,101,339, plus strand): 5'-CCGAGTGCTGGGCACAAAGCTCCAGGAGCGTCCGAGGGCAGGTTTGAGCCTCCCGCTGTC[C>T]CTGTCTCGAGTTATGTGGTTGGTCACCTGCAGCAGAAACAGACTTACAGATCCATAATGC-3'
Protein context (NP_002869.3, residues 245-265): VVVTNHITRD[Arg255=]DSGRLKPALG

ClinVar aggregate classification (germline): Benign/Likely benign. Review status: criteria provided, multiple submitters, no conflicts (2 of 4 stars). 10 submissions from 10 submitters: Benign (1); Likely benign (8). 1 of the submissions does not count toward it. Last evaluated 2026-01-02.

Conditions:
RAD51D-related disorder. Also called: RAD51D-related condition.
Hereditary cancer-predisposing syndrome. Also called: Neoplastic Syndromes, Hereditary; Hereditary neoplastic syndrome; Tumor predisposition; Hereditary Cancer Syndrome. Identifiers: Orphanet 140162, MedGen C0027672, MeSH D009386, MONDO:0015356.
Hereditary breast ovarian cancer syndrome. Also called: Hereditary breast and ovarian cancer syndrome; Hereditary breast and ovarian cancer syndrome (HBOC); BRCA1- and BRCA2-Associated Hereditary Breast and Ovarian Cancer; Hereditary breast and ovarian cancer; Breast and ovarian cancer; Hereditary breast and/or ovarian cancer syndrome. Identifiers: Orphanet 145, MedGen C0677776, MeSH D061325, MONDO:0003582. Disease mechanism: loss of function.
Breast-ovarian cancer, familial, susceptibility to, 4. Identifiers: Orphanet 145, MedGen C3280345, MONDO:0013669, OMIM 614291.

Allele frequency attached by ClinVar (database versions not stated): gnomAD exomes below 0.00001 and 0.00009; ExAC 0.00001; TOPMed 0.00002; gnomAD 0.00003 and 0.00005.
gnomAD v4.1: 132 of 1,613,868 alleles (0.0082%); highest among the groups gnomAD compares: East Asian, 0.29%; no homozygotes.

Submissions (10):

Labcorp Genetics (formerly Invitae), Labcorp
Classification: Likely benign for Breast-ovarian cancer, familial, susceptibility to, 4. Last evaluated: 2026-01-02. Review status: criteria provided, single submitter. Criteria: Invitae Variant Classification Sherloc (09022015). Collection method: clinical testing. Allele origin: germline.

Quest Diagnostics Nichols Institute San Juan Capistrano
Classification: Likely benign. Last evaluated: 2025-03-05. Review status: criteria provided, single submitter. Criteria: Quest Diagnostics criteria. Collection method: clinical testing. Allele origin: unknown.

Myriad Genetics, Inc.
Classification: Benign for Breast-ovarian cancer, familial, susceptibility to, 4. Last evaluated: 2025-02-24. Review status: criteria provided, single submitter. Criteria: Myriad Autosomal Dominant, Autosomal Recessive and X-Linked Classification Criteria (2023). Collection method: clinical testing. Allele origin: unknown.
Comment: This variant is considered benign. This variant is a silent/synonymous amino acid change and it is not expected to impact splicing.

Department of Pathology and Laboratory Medicine, Sinai Health System
Classification: Likely benign for Hereditary breast ovarian cancer syndrome. Last evaluated: 2022-06-29. Review status: criteria provided, single submitter. Criteria: ACMG Guidelines, 2015. Collection method: clinical testing. Allele origin: germline. Affected: yes.

Sema4
Classification: Likely benign for Hereditary cancer-predisposing syndrome. Last evaluated: 2021-07-20. Review status: criteria provided, single submitter. Criteria: Sema4 Curation Guidelines. Collection method: curation. Allele origin: germline.

GeneDx
Classification: Likely benign. Last evaluated: 2020-05-11. Review status: criteria provided, single submitter. Criteria: GeneDx Variant Classification Process June 2021. Collection method: clinical testing. Allele origin: germline. Affected: yes.

Women's Health and Genetics/Laboratory Corporation of America, LabCorp
Classification: Likely benign. Last evaluated: 2019-04-25. Review status: criteria provided, single submitter. Criteria: LabCorp Variant Classification Summary - May 2015. Collection method: clinical testing. Allele origin: germline.
Comment: Variant summary: RAD51D c.765G>A alters a non-conserved nucleotide resulting in a synonymous change. 5/5 computational tools predict no significant impact on normal splicing. However, these predictions have yet to be confirmed by functional studies. The variant allele was found at a frequency of 4e-06 in 251300 control chromosomes. The available data on variant occurrences in the general population are insufficient to allow any conclusion about variant significance. To our knowledge, no occurrence of c.765G>A in individuals affected with Hereditary Breast and Ovarian Cancer and no experimental evidence demonstrating its impact on protein function have been reported. Co-occurrences with other pathogenic variant(s) have been reported (APC c.4393_4394dupAG , p.Ser1465fsX9), providing supporting evidence for a benign role. Four clinical diagnostic laboratories have submitted clinical-significance assessments for this variant to ClinVar after 2014 without evidence for independent evaluation. All laboratories classified the variant as benign/likely benign. Based on the evidence outlined above, the variant was classified as likely benign.

Color Diagnostics, LLC DBA Color Health
Classification: Likely benign for Hereditary cancer-predisposing syndrome. Last evaluated: 2017-03-03. Review status: criteria provided, single submitter. Criteria: ACMG Guidelines, 2015. Collection method: clinical testing. Allele origin: germline.

Ambry Genetics
Classification: Likely benign for Hereditary cancer-predisposing syndrome. Last evaluated: 2015-07-24. Review status: criteria provided, single submitter. Criteria: Ambry Variant Classification Scheme 2023. Collection method: clinical testing. Allele origin: germline.

PreventionGenetics, part of Exact Sciences
Classification: Likely benign for RAD51D-related condition. Last evaluated: 2022-02-24. Review status: no assertion criteria provided. Collection method: clinical testing. Allele origin: germline. Not counted in ClinVar's aggregate classification.
Comment: This variant is classified as likely benign based on ACMG/AMP sequence variant interpretation guidelines (Richards et al. 2015 PMID: 25741868, with internal and published modifications).